The following is an entry in ClinVar:

ClinVar aggregate classification (germline): Likely pathogenic (1 of 4 stars; one submission).

Conditions:
Anemia, nonspherocytic hemolytic, due to G6PD deficiency (CNSHA1). Also called: Hemolytic anemia due to G6PD deficiency; Class I glucose-6-phosphate dehydrogenase deficiency; Favism, susceptibility to; ANEMIA, CONGENITAL, NONSPHEROCYTIC HEMOLYTIC, 1. Identifiers: Orphanet 466026, MedGen C2720289, MONDO:0010480, OMIM 300908.

Submission:

Dunham Lab, University of Washington
Classification: Likely pathogenic for Anemia, nonspherocytic hemolytic, due to G6PD deficiency. Last evaluated: 2022-08-12. Review status: criteria provided, single submitter. Criteria: Bayesian ACMG Guidelines, 2018. Collection method: curation. Allele origin: unknown. Affected: yes.
Comment: Variant found in hemizygote and heterozygote with G6PD deficiency (PP4). Decreased actvity in red blood cells (PS3). Affects same residue as pathogenic variant (ClinVar ID 10371) (PM5). Not found in gnomAD (PM2). Post_P 0.988 (odds of pathogenicity 729.3, Prior_P 0.1).

Literature cited by the submitters: PubMed 20203002.

NM_001360016.2(G6PD):c.1340G>T (p.Gly447Val)

Gene: G6PD (glucose-6-phosphate dehydrogenase; minus strand). Cytogenetic location: Xq28.
Variant type: single nucleotide variant.
Coding change: c.1340G>T on transcript NM_001360016.2 (MANE Select); coding-DNA position 1340, G replaced by T.
Protein change: p.Gly447Val; replaces glycine 447 with valine.
Molecular consequence: missense variant.
Genome position (GRCh38, 1-based): chrX:154,532,410, C>A on the plus strand (G>T on the coding strand, the complement: G6PD is on the minus strand). VCF-style: chrX-154532410-C-A. GRCh37 (hg19) VCF-style: chrX-153760625-C-A.
Other names: G6PD Jiangxi; c.1430G>T, p.Gly477Val (NM_000402.4); c.1340G>T, p.Gly447Val (NM_001042351.3); short protein forms G447V, G477V.
Identifiers: ClinVar variation 1722625 (VCV001722625.2), dbSNP rs2523261815, ClinGen allele CA415233671.
Genomic context (GRCh38, chrX:154,532,410, plus strand): 5'-CCCACAGGTATGCAGGGGCCGGCAGCTGGGCCTCACCTGCGCACGAAGTGCATCTGGCTC[C>A]CGCAGAAGACGTCCAGGATGAGGCGCTCATAGGCGTCAGGGAGCTTCACGTTCTGTGAGG-3'
Protein context (NP_001346945.1, residues 437-457): YERLILDVFC[Gly447Val]SQMHFVRSDE